The following is an entry in ClinVar:

NM_004208.4(AIFM1):c.1678T>C (p.Tyr560His)

Genes: AIFM1 (apoptosis inducing factor mitochondria associated 1; minus strand), RAB33A (RAB33A, member RAS oncogene family; plus strand). Cytogenetic location: Xq26.1.
Variant type: single nucleotide variant.
Coding change: c.1678T>C on transcript NM_004208.4 (MANE Select); coding-DNA position 1678, T replaced by C.
Protein change: p.Tyr560His; replaces tyrosine 560 with histidine.
Molecular consequence: missense variant. On other transcripts: 3 prime UTR variant (1), non-coding transcript variant (1).
Genome position (GRCh38, 1-based): chrX:130,130,062, A>G on the plus strand (T>C on the coding strand, the complement: AIFM1 is on the minus strand). VCF-style: chrX-130130062-A-G. GRCh37 (hg19) VCF-style: chrX-129264037-A-G.
Other names: c.661T>C, p.Tyr221His (NM_001130846.4); c.*906T>C (NM_001130847.4); c.1666T>C, p.Tyr556His (NM_145812.3); short protein forms Y560H, Y556H, Y221H.
Identifiers: ClinVar variation 162483 (VCV000162483.2), dbSNP rs724160024, ClinGen allele CA175074.

ClinVar aggregate classification (germline): Likely pathogenic (0 of 4 stars; one submission).

Conditions:
Deafness, X-linked 5 (DFNX5). Also called: DEAFNESS, X-LINKED 5, WITH PERIPHERAL NEUROPATHY; AUDITORY NEUROPATHY, X-LINKED, 1, WITH PERIPHERAL SENSORY NEUROPATHY. Identifiers: Orphanet 139583, MedGen C1845095, OMIM 300614.

Submission:

Deafness Gene Diagnosis, Xijing Hospital
Classification: Likely pathogenic for Deafness, X-linked 5. Review status: no assertion criteria provided. Collection method: clinical testing. Allele origin: unknown. Inheritance: Sporadic. Affected: yes. Observed: 1 variant allele, 1 homozygote.
Comment: missense mutation in conserved position, not detected in normal control (118 people), and Mutationtaster predicted as Disease Causing